The following is an entry in ClinVar:

ClinVar aggregate classification (germline): Uncertain significance (1 of 4 stars; one submission).

Conditions:
Aortic valve disease 2 (AOVD2). Identifiers: MedGen C3542024, MONDO:0013902, OMIM 614823.

Allele frequency attached by ClinVar (database versions not stated): gnomAD exomes below 0.00001.
gnomAD v4.1: 3 of 1,239,604 alleles (0.00024%); highest among the groups gnomAD compares: Non-Finnish European, 0.0002%; no homozygotes.

Submission:

Labcorp Genetics (formerly Invitae), Labcorp
Classification: Uncertain significance for Aortic valve disease 2. Last evaluated: 2022-08-23. Review status: criteria provided, single submitter. Criteria: Invitae Variant Classification Sherloc (09022015). Collection method: clinical testing. Allele origin: germline.
Comment: This variant is not present in population databases (gnomAD no frequency). This variant has not been reported in the literature in individuals affected with SMAD6-related conditions. ClinVar contains an entry for this variant (Variation ID: 578615). In summary, the available evidence is currently insufficient to determine the role of this variant in disease. Therefore, it has been classified as a Variant of Uncertain Significance. This sequence change creates a premature translational stop signal (p.Gln74*) in the SMAD6 gene. It is expected to result in an absent or disrupted protein product. However, the current clinical and genetic evidence is not sufficient to establish whether loss-of-function variants in SMAD6 cause disease.

NM_005585.5(SMAD6):c.220C>T (p.Gln74Ter)

Gene: SMAD6 (SMAD family member 6; plus strand). Cytogenetic location: 15q22.31.
Variant type: single nucleotide variant.
Coding change: c.220C>T on transcript NM_005585.5 (MANE Select); coding-DNA position 220, C replaced by T.
Protein change: p.Gln74Ter; replaces glutamine 74 with a stop codon.
Molecular consequence: nonsense. On other transcripts: non-coding transcript variant (1).
Genome position (GRCh38, 1-based): chr15:66,703,478, C>T. VCF-style: chr15-66703478-C-T. GRCh37 (hg19) VCF-style: chr15-66995816-C-T.
Other names: short protein forms Q74*.
Identifiers: ClinVar variation 578615 (VCV000578615.6), dbSNP rs1567091382, ClinGen allele CA392948950.
Genomic context (GRCh38, chr15:66,703,478, plus strand): 5'-GGCTGCGGCCGCTCCGAAGTCCGCCCGGTAGCCCCGCGGCGGCCCCGGGACGCAGTGGGA[C>T]AGCGAGGCGCCCAGGGCGCGGGGAGGCGCCGGCGCGCAGGGGGCCCCCCGAGGCCCATGT-3'